The following is an entry in ClinVar:

NM_138694.4(PKHD1):c.2639G>C (p.Arg880Pro)

Gene: PKHD1 (PKHD1 ciliary IPT domain containing fibrocystin/polyductin; minus strand). Cytogenetic location: 6p12.2.
Variant type: single nucleotide variant.
Coding change: c.2639G>C on transcript NM_138694.4 (MANE Select); coding-DNA position 2639, G replaced by C.
Protein change: p.Arg880Pro; replaces arginine 880 with proline.
Molecular consequence: missense variant.
Genome position (GRCh38, 1-based): chr6:52,045,042, C>G on the plus strand (G>C on the coding strand, the complement: PKHD1 is on the minus strand). VCF-style: chr6-52045042-C-G. GRCh37 (hg19) VCF-style: chr6-51909840-C-G.
Other names: c.2639G>C, p.Arg880Pro (NM_170724.3); short protein forms R880P.
Identifiers: ClinVar variation 2098389 (VCV002098389.5), dbSNP rs886042298, ClinGen allele CA364442905.

ClinVar aggregate classification (germline): Conflicting classifications of pathogenicity. Review status: criteria provided, conflicting classifications (1 of 4 stars). 2 submissions from 2 submitters: Likely pathogenic (1); Uncertain significance (1). Last evaluated 2025-07-09.

Conditions:
Autosomal recessive polycystic kidney disease (ARPKD). Also called: AR polycystic kidney disease. Identifiers: Orphanet 731, Orphanet 8378, MedGen C0085548, MeSH D017044, MONDO:0009889.

gnomAD v4.1: 1 of 1,613,076 alleles (0.000062%); highest among the groups gnomAD compares: Non-Finnish European, 0.000085%; no homozygotes.

Submissions (2):

Women's Health and Genetics/Laboratory Corporation of America, LabCorp
Classification: Uncertain significance. Last evaluated: 2025-07-09. Review status: criteria provided, single submitter. Criteria: LabCorp Variant Classification Summary - May 2015. Collection method: clinical testing. Allele origin: germline.
Comment: Variant summary: PKHD1 c.2639G>C (p.Arg880Pro) results in a non-conservative amino acid change in the encoded protein sequence. Algorithms developed to predict the effect of missense changes on protein structure and function are either unavailable or do not agree on the potential impact of this missense change. The variant was absent in 251086 control chromosomes. The available data on variant occurrences in the general population are insufficient to allow any conclusion about variant significance. c.2639G>C has been observed in the presumed compound heterozygous state in at least 1 individual(s) affected with Polycystic Kidney And Hepatic Disease (Burgmaier_2021). These data do not allow any conclusion about variant significance. To our knowledge, no experimental evidence demonstrating an impact on protein function has been reported. The following publication has been ascertained in the context of this evaluation (PMID: 33940108). ClinVar contains an entry for this variant (Variation ID: 2098389). Based on the evidence outlined above, the variant was classified as uncertain significance.

Labcorp Genetics (formerly Invitae), Labcorp
Classification: Likely pathogenic for Autosomal recessive polycystic kidney disease. Last evaluated: 2022-10-13. Review status: criteria provided, single submitter. Criteria: Invitae Variant Classification Sherloc (09022015). Collection method: clinical testing. Allele origin: germline.
Comment: In summary, the currently available evidence indicates that the variant is pathogenic, but additional data are needed to prove that conclusively. Therefore, this variant has been classified as Likely Pathogenic. Advanced modeling of protein sequence and biophysical properties (such as structural, functional, and spatial information, amino acid conservation, physicochemical variation, residue mobility, and thermodynamic stability) performed at Invitae indicates that this missense variant is expected to disrupt PKHD1 protein function. This missense change has been observed in individual(s) with polycystic kidney disease (PMID: 33940108). In at least one individual the data is consistent with being in trans (on the opposite chromosome) from a pathogenic variant. This variant is not present in population databases (gnomAD no frequency). This sequence change replaces arginine, which is basic and polar, with proline, which is neutral and non-polar, at codon 880 of the PKHD1 protein (p.Arg880Pro).

Literature cited by the submitters: PubMed 33940108 (cited by Women's Health and Genetics/Laboratory Corporation of America, LabCorp and Labcorp Genetics (formerly Invitae), Labcorp).